The following is an entry in ClinVar:

NM_004655.4(AXIN2):c.1249dup (p.Ala417fs)

Gene: AXIN2 (axin 2; minus strand). Cytogenetic location: 17q24.1.
Variant type: Duplication.
Coding change: c.1249dup on transcript NM_004655.4 (MANE Select); coding-DNA position 1249, one base duplicated (G; older notation c.1249dupG).
Protein change: p.Ala417fs; shifts the reading frame from alanine 417.
Molecular consequence: frameshift variant.
Genome position (GRCh38, 1-based): chr17:65,537,787, C duplicated on the plus strand (G on the coding strand, the reverse complement: AXIN2 is on the minus strand); the first of 5 consecutive C bases (chr17:65,537,787-65,537,791); duplicating any one gives the same sequence. VCF-style (leftmost placement, unchanged base first): chr17-65537786-G-GC. GRCh37 (hg19) VCF-style: chr17-63533904-G-GC.
Other names: c.1249dup, p.Ala417fs (NM_001363813.1); short protein forms A417fs.
Identifiers: ClinVar variation 5042388 (VCV005042388.1).
Genomic context (GRCh38, chr17:65,537,786, plus strand): 5'-GTCTGCGGGTCTTCCTCGTAGCTGCCGGAGGGCAGTAGGGAGAGGGGGTGCTGCGTGGGC[G>GC]CCCCCTCCCGCGAATTGAGTGTGAGCTCGGAGCCCTCTCTCTCTTCATCCTGAAAGGGAA-3'

ClinVar aggregate classification (germline): Pathogenic (1 of 4 stars; one submission).

Conditions:
Oligodontia-cancer predisposition syndrome. Also called: TOOTH AGENESIS-COLORECTAL CANCER SYNDROME. Identifiers: Orphanet 300576, MedGen C1837750, MONDO:0012075, OMIM 608615. Disease mechanism: loss of function.

Submission:

Myriad Genetics, Inc.
Classification: Pathogenic for Oligodontia-cancer predisposition syndrome. Last evaluated: 2026-08-10. Review status: criteria provided, single submitter. Criteria: Myriad Autosomal Dominant, Autosomal Recessive and X-Linked Classification Criteria (2023). Collection method: clinical testing. Allele origin: unknown.
Comment: This variant is considered pathogenic. This variant creates a frameshift predicted to result in premature protein truncation.